The following is an entry in ClinVar:

ClinVar aggregate classification (germline): Likely benign (0 of 4 stars; one submission).

Conditions:
ALPK2-related disorder. Also called: ALPK2-related condition.

Allele frequency attached by ClinVar (database versions not stated): 1000 Genomes Project 0.00040; 1000 Genomes Project 30x 0.00062; ESP Exome Variant Server 0.00062; TOPMed 0.00152; gnomAD 0.00172.
gnomAD v4.1: 3,872 of 1,614,002 alleles (0.24%); highest among the groups gnomAD compares: Non-Finnish European, 0.3%; 10 homozygotes.

Submission:

PreventionGenetics, part of Exact Sciences
Classification: Likely benign for ALPK2-related condition. Last evaluated: 2020-10-12. Review status: no assertion criteria provided. Collection method: clinical testing. Allele origin: germline.
Comment: This variant is classified as likely benign based on ACMG/AMP sequence variant interpretation guidelines (Richards et al. 2015 PMID: 25741868, with internal and published modifications).

NM_052947.4(ALPK2):c.2476C>A (p.Pro826Thr)

Gene: ALPK2 (alpha kinase 2; minus strand). Cytogenetic location: 18q21.31.
Variant type: single nucleotide variant.
Coding change: c.2476C>A on transcript NM_052947.4 (MANE Select); coding-DNA position 2476, C replaced by A.
Protein change: p.Pro826Thr; replaces proline 826 with threonine.
Molecular consequence: missense variant.
Genome position (GRCh38, 1-based): chr18:58,537,711, G>T on the plus strand (C>A on the coding strand, the complement: ALPK2 is on the minus strand). VCF-style: chr18-58537711-G-T. GRCh37 (hg19) VCF-style: chr18-56204943-G-T.
Other names: short protein forms P826T.
Identifiers: ClinVar variation 3042268 (VCV003042268.2), dbSNP rs139158112, ClinGen allele CA8977066.
Genomic context (GRCh38, chr18:58,537,711, plus strand): 5'-GACCTTCTGCCAGTTCCGTATCTACAGAGCAAATTTCTTGAGGCGAATATTTATCAACTG[G>T]TCTCCCAACAAGAGAATCTATGGTATCAAAACACGTTCCTTGGTCACCAGCCTCAAAACA-3'
Protein context (NP_443179.3, residues 816-836): FDTIDSLVGR[Pro826Thr]VDKYSPQEIC